The following is an entry in ClinVar:

NM_001077446.4(TSEN34):c.*385=

Gene: TSEN34 (tRNA splicing endonuclease subunit 34; plus strand). Cytogenetic location: 19q13.42.
Variant type: single nucleotide variant.
Coding change: c.*385= on transcript NM_001077446.4 (MANE Select); 385 bases downstream of the stop codon, no change from the reference sequence.
Molecular consequence: no sequence alteration.
Genome position: GRCh38 VCF-style: chr19-54193747-A-A. GRCh37 (hg19) VCF-style: chr19-54697602-G-A.
Other names: c.*385= (NM_001282332.2, NM_001386740.1, NM_024075.5); c.*76= (NM_001282333.2).
Identifiers: ClinVar variation 330136 (VCV000330136.6), dbSNP rs1156850349.

ClinVar aggregate classification (germline): Benign. Review status: criteria provided, multiple submitters, no conflicts (2 of 4 stars). 2 submissions from 2 submitters: Benign (2). Last evaluated 2018-01-12.

Conditions:
Pontoneocerebellar hypoplasia. Also called: Non-syndromic pontocerebellar hypoplasia; Pontocerebellar hypoplasia. Identifiers: Orphanet 98523, MedGen C1261175, MONDO:0020135.

Allele frequency attached by ClinVar (database versions not stated): gnomAD exomes 1.00000; TOPMed 1.00000 and 0.79030; 1000 Genomes Project 0.24501; 1000 Genomes Project 30x 0.75203.

Submissions (2):

Illumina Laboratory Services, Illumina
Classification: Benign for Pontoneocerebellar hypoplasia. Last evaluated: 2018-01-12. Review status: criteria provided, single submitter. Criteria: ICSL Variant Classification Criteria 13 December 2019. Collection method: clinical testing. Allele origin: germline.
Comment: This variant was observed in the ICSL laboratory as part of a predisposition screen in an ostensibly healthy population. It had not been previously curated by ICSL or reported in the Human Gene Mutation Database (HGMD: prior to June 1st, 2018), and was therefore a candidate for classification through an automated scoring system. Utilizing variant allele frequency, disease prevalence and penetrance estimates, and inheritance mode, an automated score was calculated to assess if this variant is too frequent to cause the disease. Based on the score and internal cut-off values, a variant classified as benign is not then subjected to further curation. The score for this variant resulted in a classification of benign for this disease.

Breakthrough Genomics
Classification: Benign. Review status: criteria provided, single submitter. Criteria: ACMG Guidelines, 2015. Collection method: not provided. Allele origin: germline. Inheritance: Autosomal recessive inheritance. Affected: yes.